The following is an entry in ClinVar:

NM_014425.5(INVS):c.2519T>C (p.Leu840Pro)

Gene: INVS (inversin; plus strand). Cytogenetic location: 9q31.1.
Variant type: single nucleotide variant.
Coding change: c.2519T>C on transcript NM_014425.5 (MANE Select); coding-DNA position 2519, T replaced by C.
Protein change: p.Leu840Pro; replaces leucine 840 with proline.
Molecular consequence: missense variant. On other transcripts: non-coding transcript variant (1).
Genome position (GRCh38, 1-based): chr9:100,292,776, T>C. VCF-style: chr9-100292776-T-C. GRCh37 (hg19) VCF-style: chr9-103055058-T-C.
Other names: c.2519T>C (NM_014425.2); c.2231T>C, p.Leu744Pro (NM_001318381.2); c.1541T>C, p.Leu514Pro (NM_001318382.2); short protein forms L514P, L744P, L840P.
Identifiers: ClinVar variation 1059558 (VCV001059558.11), dbSNP rs772783995, ClinGen allele CA5158649.
Genomic context (GRCh38, chr9:100,292,776, plus strand): 5'-ATGCTGGGCAGAATCCTCCCCACCATCGTACACCAAGAAACAAAGTGACACAAGCCAAGC[T>C]CACAGGAGGGCTCTATTCACATTTGCCACAGAGCACAGAGGAGTTGAGGTCAGGAGCTAG-3'
Protein context (NP_055240.2, residues 830-850): TPRNKVTQAK[Leu840Pro]TGGLYSHLPQ

ClinVar aggregate classification (germline): Uncertain significance. Review status: criteria provided, multiple submitters, no conflicts (2 of 4 stars). 4 submissions from 4 submitters: Uncertain significance (4). Last evaluated 2024-10-15.

Conditions:
Inborn genetic diseases. Identifiers: MedGen C0950123, MeSH D030342.
Infantile nephronophthisis (NPHP2). Also called: Nephronophthisis 2; Nephronophthisis 2, infantile. Identifiers: Orphanet 655, Orphanet 93591, MedGen C1865872, MONDO:0011190, OMIM 602088.
Nephronophthisis. Also called: Juvenile Nephronophthisis. Identifiers: Orphanet 655, MedGen C0687120, MONDO:0019005, HP:0000090.

Allele frequency attached by ClinVar (database versions not stated): TOPMed below 0.00001; gnomAD 0.00001; gnomAD exomes 0.00001 and 0.00002; ExAC 0.00002.
gnomAD v4.1: 8 of 1,613,830 alleles (0.0005%); highest among the groups gnomAD compares: Non-Finnish European, 0.00068%; no homozygotes.

Submissions (4):

Blueprint Genetics
Classification: Uncertain significance. Last evaluated: 2024-10-15. Review status: criteria provided, single submitter. Criteria: ACMG Guidelines, 2015. Collection method: clinical testing. Allele origin: germline.

Labcorp Genetics (formerly Invitae), Labcorp
Classification: Uncertain significance for Nephronophthisis. Last evaluated: 2024-07-17. Review status: criteria provided, single submitter. Criteria: Invitae Variant Classification Sherloc (09022015). Collection method: clinical testing. Allele origin: germline.
Comment: This sequence change replaces leucine, which is neutral and non-polar, with proline, which is neutral and non-polar, at codon 840 of the INVS protein (p.Leu840Pro). This variant is present in population databases (rs772783995, gnomAD 0.004%). This variant has not been reported in the literature in individuals affected with INVS-related conditions. ClinVar contains an entry for this variant (Variation ID: 1059558). An algorithm developed to predict the effect of missense changes on protein structure and function outputs the following: PolyPhen-2: "Benign". The proline amino acid residue is found in multiple mammalian species, which suggests that this missense change does not adversely affect protein function. In summary, the available evidence is currently insufficient to determine the role of this variant in disease. Therefore, it has been classified as a Variant of Uncertain Significance.

Ambry Genetics
Classification: Uncertain significance for Inborn genetic diseases. Last evaluated: 2024-07-09. Review status: criteria provided, single submitter. Criteria: Ambry Variant Classification Scheme 2023. Collection method: clinical testing. Allele origin: germline.

Fulgent Genetics
Classification: Uncertain significance for Infantile nephronophthisis. Last evaluated: 2024-02-04. Review status: criteria provided, single submitter. Criteria: ACMG Guidelines, 2015. Collection method: clinical testing. Allele origin: germline.